The following is an entry in ClinVar:

ClinVar aggregate classification (germline): Pathogenic (1 of 4 stars; one submission).

Conditions:
RYR1-related disorder. Also called: RYR1-related condition; RYR1-related disorders. Identifiers: MedGen CN239331.

Submission:

Labcorp Genetics (formerly Invitae), Labcorp
Classification: Pathogenic for RYR1-related disorder. Last evaluated: 2021-03-02. Review status: criteria provided, single submitter. Criteria: Invitae Variant Classification Sherloc (09022015). Collection method: clinical testing. Allele origin: germline.
Comment: This sequence change creates a premature translational stop signal (p.Gln4525*) in the RYR1 gene. It is expected to result in an absent or disrupted protein product. Loss-of-function variants in RYR1 are known to be pathogenic (PMID: 20583297, 20839240, 23919265, 28818389). This variant is not present in population databases (ExAC no frequency). This variant has not been reported in the literature in individuals with RYR1-related conditions. Algorithms developed to predict the effect of sequence changes on RNA splicing suggest that this variant may create or strengthen a splice site, but this prediction has not been confirmed by published transcriptional studies. For these reasons, this variant has been classified as Pathogenic.

Literature cited by the submitters: PubMed 20583297; PubMed 20839240; PubMed 23919265; PubMed 28818389.

NM_000540.3(RYR1):c.13573C>T (p.Gln4525Ter)

Gene: RYR1 (ryanodine receptor 1; plus strand). Cytogenetic location: 19q13.2.
Variant type: single nucleotide variant.
Coding change: c.13573C>T on transcript NM_000540.3 (MANE Select); coding-DNA position 13573, C replaced by T.
Protein change: p.Gln4525Ter; replaces glutamine 4525 with a stop codon.
Molecular consequence: nonsense.
Genome position (GRCh38, 1-based): chr19:38,567,831, C>T. VCF-style: chr19-38567831-C-T. GRCh37 (hg19) VCF-style: chr19-39058471-C-T.
Other names: c.13558C>T, p.Gln4520Ter (NM_001042723.2); short protein forms Q4520*, Q4525*.
Identifiers: ClinVar variation 1427137 (VCV001427137.6), dbSNP rs2145855461, ClinGen allele CA405677740.